The following is an entry in ClinVar:

NM_000064.4(C3):c.3288C>T (p.Asp1096=)

Gene: C3 (complement C3; minus strand). Cytogenetic location: 19p13.3.
Variant type: single nucleotide variant.
Coding change: c.3288C>T on transcript NM_000064.4 (MANE Select); coding-DNA position 3288, C replaced by T.
Protein change: p.Asp1096=; no amino-acid change (aspartic acid 1096 retained).
Molecular consequence: synonymous variant.
Genome position (GRCh38, 1-based): chr19:6,693,026, G>A on the plus strand (C>T on the coding strand, the complement: C3 is on the minus strand). VCF-style: chr19-6693026-G-A. GRCh37 (hg19) VCF-style: chr19-6693037-G-A.
Identifiers: ClinVar variation 757460 (VCV000757460.21), dbSNP rs780264809, ClinGen allele CA9128781.

ClinVar aggregate classification (germline): Likely benign. Review status: criteria provided, multiple submitters, no conflicts (2 of 4 stars). 2 submissions from 2 submitters: Likely benign (2). Last evaluated 2026-02-01.

Allele frequency attached by ClinVar (database versions not stated): gnomAD 0.00002 and 0.00003; gnomAD exomes 0.00005; TOPMed 0.00005; ExAC 0.00008.
gnomAD v4.1: 71 of 1,614,046 alleles (0.0044%); highest among the groups gnomAD compares: Non-Finnish European, 0.0058%; no homozygotes.

Submissions (2):

Labcorp Genetics (formerly Invitae), Labcorp
Classification: Likely benign. Last evaluated: 2026-02-01. Review status: criteria provided, single submitter. Criteria: Invitae Variant Classification Sherloc (09022015). Collection method: clinical testing. Allele origin: germline.

CeGaT Center for Human Genetics Tuebingen
Classification: Likely benign. Last evaluated: 2024-12-01. Review status: criteria provided, single submitter. Criteria: CeGaT Center For Human Genetics Tuebingen Variant Classification Criteria Version 2. Collection method: clinical testing. Allele origin: germline. Affected: yes. Observed: 1 variant allele.
Comment: C3: BP4, BP7